The following is an entry in ClinVar:

ClinVar aggregate classification (germline): Pathogenic (1 of 4 stars; one submission).

Conditions:
Polycystic kidney disease, adult type (PKD1). Also called: Polycystic Kidney Disease 1, Autosomal Dominant; Polycystic kidney disease 1; Polycystic kidney disease 1, severe; Polycystic Kidney, Autosomal Dominant; POLYCYSTIC KIDNEY DISEASE, ADULT, TYPE I; POLYCYSTIC KIDNEY DISEASE 1 WITH OR WITHOUT POLYCYSTIC LIVER DISEASE. Identifiers: MedGen C3149841, MONDO:0008263, OMIM 173900.

Submission:

Women's Health and Genetics/Laboratory Corporation of America, LabCorp
Classification: Pathogenic for Polycystic kidney disease, adult type. Last evaluated: 2026-03-18. Review status: criteria provided, single submitter. Criteria: LabCorp Variant Classification Summary - May 2015. Collection method: clinical testing. Allele origin: germline.
Comment: Variant summary: PKD1 c.2199delC (p.Gly734AlafsX51) results in a premature termination codon, predicted to cause a truncation of the encoded protein or absence of the protein due to nonsense mediated decay, which are commonly known mechanisms for disease. The variant was absent in 120686 control chromosomes. To our knowledge, no occurrence of c.2199delC in individuals affected with PKD1-related conditions and no experimental evidence demonstrating its impact on protein function have been reported. No submitters have cited clinical-significance assessments for this variant to ClinVar. Based on the evidence outlined above, the variant was classified as pathogenic.

NM_001009944.3(PKD1):c.2199del (p.Gly734fs)

Gene: PKD1 (polycystin 1, transient receptor potential channel interacting; minus strand). Cytogenetic location: 16p13.3.
Variant type: Deletion.
Coding change: c.2199del on transcript NM_001009944.3 (MANE Select); coding-DNA position 2199, one base deleted (C; older notation c.2199delC).
Protein change: p.Gly734fs; shifts the reading frame from glycine 734.
Molecular consequence: frameshift variant.
Genome position (GRCh38, 1-based): chr16:2,114,824, G deleted on the plus strand (C on the coding strand, the reverse complement: PKD1 is on the minus strand); the first of 3 consecutive G bases (chr16:2,114,824-2,114,826); deleting any one gives the same sequence. VCF-style (leftmost placement, unchanged base first): chr16-2114823-CG-C. GRCh37 (hg19) VCF-style: chr16-2164824-CG-C.
Other names: c.2199del, p.Gly734fs (NM_000296.4); c.2199delC (NM_001009944.3); short protein forms G734fs.
Identifiers: ClinVar variation 4847098 (VCV004847098.1).